The following is an entry in ClinVar:

ClinVar aggregate classification (germline): Pathogenic/Likely pathogenic. Review status: criteria provided, multiple submitters, no conflicts (2 of 4 stars). 2 submissions from 2 submitters: Pathogenic (1); Likely pathogenic (1). Last evaluated 2024-12-28.

Conditions:
Hereditary nonpolyposis colorectal neoplasms. Identifiers: MedGen C0009405, MeSH D003123.
PMS2-related disorder. Also called: PMS2-related condition.

Submissions (2):

Labcorp Genetics (formerly Invitae), Labcorp
Classification: Pathogenic for Hereditary nonpolyposis colorectal neoplasms. Last evaluated: 2024-12-28. Review status: criteria provided, single submitter. Criteria: Invitae Variant Classification Sherloc (09022015). Collection method: clinical testing. Allele origin: germline.
Comment: This sequence change creates a premature translational stop signal (p.Gln530Alafs*12) in the PMS2 gene. It is expected to result in an absent or disrupted protein product. Loss-of-function variants in PMS2 are known to be pathogenic (PMID: 21376568, 24362816). This variant is not present in population databases (gnomAD no frequency). This variant has not been reported in the literature in individuals affected with PMS2-related conditions. ClinVar contains an entry for this variant (Variation ID: 2112657). For these reasons, this variant has been classified as Pathogenic.

Blueprint Genetics
Classification: Likely pathogenic for PMS2-related disorders. Last evaluated: 2022-08-04. Review status: criteria provided, single submitter. Criteria: ACMG Guidelines, 2015. Collection method: clinical testing. Allele origin: germline. Affected: yes. Observed: 2 variant alleles.

Literature cited by the submitters: PubMed 21376568 (cited by Labcorp Genetics (formerly Invitae), Labcorp); PubMed 24362816 (cited by Labcorp Genetics (formerly Invitae), Labcorp).

NM_000535.7(PMS2):c.1587dup (p.Gln530fs)

Gene: PMS2 (PMS1 homolog 2, mismatch repair system component; minus strand). Cytogenetic location: 7p22.1.
Variant type: Duplication.
Coding change: c.1587dup on transcript NM_000535.7 (MANE Select); coding-DNA position 1587, one base duplicated (G; older notation c.1587dupG).
Protein change: p.Gln530fs; shifts the reading frame from glutamine 530.
Molecular consequence: frameshift variant. On other transcripts: non-coding transcript variant (1).
Genome position (GRCh38, 1-based): chr7:5,987,178, C duplicated on the plus strand (G on the coding strand, the reverse complement: PMS2 is on the minus strand). VCF-style (leftmost placement, unchanged base first): chr7-5987177-G-GC. GRCh37 (hg19) VCF-style: chr7-6026808-G-GC.
Other names: c.1182dup, p.Gln395Alafs (NM_001018040.1, NM_001406887.1, NM_001406888.1 and 13 more transcripts); c.1182dup, p.Gln395fs (NM_001322003.2, NM_001322004.2, NM_001322005.2 and 1 more transcripts); c.1431dup, p.Gln478fs (NM_001322006.2); c.1269dup, p.Gln424fs (NM_001322007.2, NM_001322008.2); c.1026dup, p.Gln343fs (NM_001322010.2); c.654dup, p.Gln219fs (NM_001322011.2, NM_001322012.2); c.1014dup, p.Gln339fs (NM_001322013.2); c.1587dup, p.Gln530fs (NM_001322014.2); and 19 more; short protein forms Q339fs, Q478fs, Q343fs, Q427fs, Q219fs, Q530fs, Q395fs, Q424fs.
Identifiers: ClinVar variation 2112657 (VCV002112657.5), dbSNP rs2535766476, ClinGen allele CA2580076903.